The following is an entry in ClinVar:

ClinVar aggregate classification (germline): Uncertain significance (1 of 4 stars; one submission).

Allele frequency attached by ClinVar (database versions not stated): 1000 Genomes Project 30x 0.00016; gnomAD exomes 0.00001 and below 0.00001; TOPMed below 0.00001; ExAC 0.00001; 1000 Genomes Project 0.00020.
gnomAD v4.1: 5 of 1,614,046 alleles (0.00031%); highest among the groups gnomAD compares: South Asian, 0.0044%; no homozygotes.

Submission:

Labcorp Genetics (formerly Invitae), Labcorp
Classification: Uncertain significance. Last evaluated: 2025-12-31. Review status: criteria provided, single submitter. Criteria: Invitae Variant Classification Sherloc (09022015). Collection method: clinical testing. Allele origin: germline.
Comment: This sequence change replaces methionine, which is neutral and non-polar, with threonine, which is neutral and polar, at codon 976 of the ADGRA3 protein (p.Met976Thr). This variant is present in population databases (rs201849173, gnomAD 0.007%). This variant has not been reported in the literature in individuals affected with ADGRA3-related conditions. ClinVar contains an entry for this variant (Variation ID: 1474002). An algorithm developed to predict the effect of missense changes on protein structure and function (PolyPhen-2) suggests that this variant is likely to be tolerated. In summary, the available evidence is currently insufficient to determine the role of this variant in disease. Therefore, it has been classified as a Variant of Uncertain Significance.

NM_145290.4(ADGRA3):c.2927T>C (p.Met976Thr)

Gene: ADGRA3 (adhesion G protein-coupled receptor A3; minus strand). Cytogenetic location: 4p15.2.
Variant type: single nucleotide variant.
Coding change: c.2927T>C on transcript NM_145290.4 (MANE Select); coding-DNA position 2927, T replaced by C.
Protein change: p.Met976Thr; replaces methionine 976 with threonine.
Molecular consequence: missense variant.
Genome position (GRCh38, 1-based): chr4:22,388,744, A>G on the plus strand (T>C on the coding strand, the complement: ADGRA3 is on the minus strand). VCF-style: chr4-22388744-A-G. GRCh37 (hg19) VCF-style: chr4-22390367-A-G.
Other names: short protein forms M976T.
Identifiers: ClinVar variation 1474002 (VCV001474002.6), dbSNP rs201849173, ClinGen allele CA2873478.